The following is an entry in ClinVar:

NM_001370259.2(MEN1):c.956A>G (p.Tyr319Cys)

Gene: MEN1 (menin 1; minus strand). Cytogenetic location: 11q13.1.
Variant type: single nucleotide variant.
Coding change: c.956A>G on transcript NM_001370259.2 (MANE Select); coding-DNA position 956, A replaced by G.
Protein change: p.Tyr319Cys; replaces tyrosine 319 with cysteine.
Molecular consequence: missense variant. On other transcripts: non-coding transcript variant (4).
Genome position (GRCh38, 1-based): chr11:64,806,325, T>C on the plus strand (A>G on the coding strand, the complement: MEN1 is on the minus strand). VCF-style: chr11-64806325-T-C. GRCh37 (hg19) VCF-style: chr11-64573797-T-C.
Other names: c.956A>G, p.Tyr319Cys (NM_001370251.2, NM_001370260.2, NM_001370261.2 and 7 more transcripts); c.851A>G, p.Tyr284Cys (NM_001370262.2, NM_001370263.2, NM_001407148.1 and 2 more transcripts); c.971A>G, p.Tyr324Cys (NM_130800.3, NM_130801.3, NM_130802.3 and 5 more transcripts); short protein forms Y284C, Y319C, Y324C.
Identifiers: ClinVar variation 3387023 (VCV003387023.1).
Genomic context (GRCh38, chr11:64,806,325, plus strand): 5'-TGCAGGGCTTCCCGCACATTGCGGTTGCGACAGTGGTAGCCAGCCAGGTACATGTAGGGG[T>C]AGATGTGTTCATCCCGATAGTAGGTCTTGGCTGAGGCAATGCCCTGGATGGAGGTGAGGC-3'
Protein context (NP_001357188.2, residues 309-329): AKTYYRDEHI[Tyr319Cys]PYMYLAGYHC

ClinVar aggregate classification (germline): Uncertain significance (1 of 4 stars; one submission).

Conditions:
Multiple endocrine neoplasia, type 1 (MEN1). Also called: MEN I; WERMER SYNDROME; Endocrine adenomatosis multiple; MEN 1; MEA I. Identifiers: Orphanet 652, MedGen C0025267, MeSH D018761, MONDO:0007540, OMIM 131100.

Submission:

All of Us Research Program, National Institutes of Health
Classification: Uncertain significance for Multiple endocrine neoplasia, type 1. Last evaluated: 2024-04-16. Review status: criteria provided, single submitter. Criteria: ACMG Guidelines, 2015. Collection method: clinical testing. Allele origin: germline. Inheritance: Autosomal dominant inheritance. Observed: 1 variant allele, 1 heterozygote.
Comment: This missense variant replaces tyrosine with cysteine at codon 319 of the MEN1 protein. Computational prediction suggests that this variant may have deleterious impact on protein structure and function (internally defined REVEL score threshold >= 0.7, PMID: 27666373). To our knowledge, functional studies have not been reported for this variant. This variant has not been reported in individuals affected with MEN1-related disorders in the literature. This variant has not been identified in the general population by the Genome Aggregation Database (gnomAD). The available evidence is insufficient to determine the role of this variant in disease conclusively. Therefore, this variant is classified as a Variant of Uncertain Significance.

This study involves interpretation of variants in research participants for the purpose of population health screening. Participant phenotype was not available at the time of variant classification. Additional details can be found in publication PMID: 35346344, PMCID: PMC8962531